The following is an entry in ClinVar:

ClinVar aggregate classification (germline): Uncertain significance. Review status: criteria provided, multiple submitters, no conflicts (2 of 4 stars). 3 submissions from 3 submitters: Uncertain significance (3). Last evaluated 2025-10-13.

Conditions:
Inborn genetic diseases. Identifiers: MedGen C0950123, MeSH D030342.

Allele frequency attached by ClinVar (database versions not stated): gnomAD exomes 0.00003 and 0.00012; TOPMed 0.00003; ExAC 0.00015.

Submissions (3):

Labcorp Genetics (formerly Invitae), Labcorp
Classification: Uncertain significance. Last evaluated: 2025-10-13. Review status: criteria provided, single submitter. Criteria: Invitae Variant Classification Sherloc (09022015). Collection method: clinical testing. Allele origin: germline.
Comment: This sequence change replaces arginine, which is basic and polar, with histidine, which is basic and polar, at codon 208 of the DNM1L protein (p.Arg208His). This variant is present in population databases (rs766905181, gnomAD 0.09%). This variant has not been reported in the literature in individuals affected with DNM1L-related conditions. ClinVar contains an entry for this variant (Variation ID: 1479730). An algorithm developed to predict the effect of missense changes on protein structure and function (PolyPhen-2) suggests that this variant is likely to be tolerated. In summary, the available evidence is currently insufficient to determine the role of this variant in disease. Therefore, it has been classified as a Variant of Uncertain Significance.

Ambry Genetics
Classification: Uncertain significance for Inborn genetic diseases. Last evaluated: 2025-06-19. Review status: criteria provided, single submitter. Criteria: Ambry Variant Classification Scheme 2023. Collection method: clinical testing. Allele origin: germline.

Breakthrough Genomics
Classification: Uncertain significance. Review status: criteria provided, single submitter. Criteria: ACMG Guidelines, 2015. Collection method: not provided. Allele origin: germline. Inheritance: Autosomal recessive inheritance. Affected: yes.

NM_012062.5(DNM1L):c.623G>A (p.Arg208His)

Gene: DNM1L (dynamin 1 like; plus strand). Cytogenetic location: 12p11.21.
Variant type: single nucleotide variant.
Coding change: c.623G>A on transcript NM_012062.5 (MANE Select); coding-DNA position 623, G replaced by A.
Protein change: p.Arg208His; replaces arginine 208 with histidine.
Molecular consequence: missense variant. On other transcripts: intron variant (1).
Genome position (GRCh38, 1-based): chr12:32,718,646, G>A. VCF-style: chr12-32718646-G-A. GRCh37 (hg19) VCF-style: chr12-32871580-G-A.
Other names: c.623G>A, p.Arg208His (NM_001278463.2, NM_005690.5, NM_012063.4); c.662G>A, p.Arg221His (NM_001278464.2, NM_001278465.2, NM_001330380.2); c.132-2018G>A (NM_001278466.2); c.623G>A (NM_012062.3); short protein forms R208H, R221H.
Identifiers: ClinVar variation 1479730 (VCV001479730.10), dbSNP rs766905181, ClinGen allele CA6507388.